The following is an entry in ClinVar:

ClinVar aggregate classification (germline): Uncertain significance (1 of 4 stars; one submission).

Submission:

Labcorp Genetics (formerly Invitae), Labcorp
Classification: Uncertain significance. Last evaluated: 2022-11-10. Review status: criteria provided, single submitter. Criteria: Invitae Variant Classification Sherloc (09022015). Collection method: clinical testing. Allele origin: germline.
Comment: Advanced modeling of protein sequence and biophysical properties (such as structural, functional, and spatial information, amino acid conservation, physicochemical variation, residue mobility, and thermodynamic stability) performed at Invitae indicates that this missense variant is not expected to disrupt PLG protein function. This variant has not been reported in the literature in individuals affected with PLG-related conditions. This variant is not present in population databases (gnomAD no frequency). This sequence change replaces alanine, which is neutral and non-polar, with glycine, which is neutral and non-polar, at codon 459 of the PLG protein (p.Ala459Gly). In summary, the available evidence is currently insufficient to determine the role of this variant in disease. Therefore, it has been classified as a Variant of Uncertain Significance.

NM_000301.5(PLG):c.1376C>G (p.Ala459Gly)

Gene: PLG (plasminogen; plus strand). Cytogenetic location: 6q26.
Variant type: single nucleotide variant.
Coding change: c.1376C>G on transcript NM_000301.5 (MANE Select); coding-DNA position 1376, C replaced by G.
Protein change: p.Ala459Gly; replaces alanine 459 with glycine.
Molecular consequence: missense variant.
Genome position (GRCh38, 1-based): chr6:160,731,170, C>G. VCF-style: chr6-160731170-C-G. GRCh37 (hg19) VCF-style: chr6-161152202-C-G.
Other names: short protein forms A459G.
Identifiers: ClinVar variation 2813406 (VCV002813406.3), dbSNP rs771575586, ClinGen allele CA151227122.
Genomic context (GRCh38, chr6:160,731,170, plus strand): 5'-CCACAGACCCCAGCGTCAGGTGGGAGTACTGCAACCTGAAAAAATGCTCAGGAACAGAAG[C>G]GAGTGTTGTAGCACCTCCGCCTGTTGTCCTGCTTCCAGATGTAGAGACTCCTTCCGAAGA-3'
Protein context (NP_000292.1, residues 449-469): CNLKKCSGTE[Ala459Gly]SVVAPPPVVL